The following is an entry in ClinVar:

NM_000059.4(BRCA2):c.4939del (p.Thr1647fs)

Gene: BRCA2 (BRCA2 DNA repair associated; plus strand). Cytogenetic location: 13q13.1.
Variant type: Deletion.
Coding change: c.4939del on transcript NM_000059.4 (MANE Select); coding-DNA position 4939, one base deleted (A; older notation c.4939delA).
Protein change: p.Thr1647fs; shifts the reading frame from threonine 1647.
Molecular consequence: frameshift variant. On other transcripts: non-coding transcript variant (1), intron variant (2).
Genome position (GRCh38, 1-based): chr13:32,339,294, A deleted; the last of 3 consecutive A bases (chr13:32,339,292-32,339,294); deleting any one gives the same sequence. VCF-style (leftmost placement, unchanged base first): chr13-32339291-GA-G. GRCh37 (hg19) VCF-style: chr13-32913428-GA-G.
Other names: c.1910-5264del (NM_001406721.1); c.425-5264del (NM_001406722.1); c.4939del, p.Thr1647fs (NM_001406719.1, NM_001406720.1, NM_001432077.1); short protein forms T1647fs.
Identifiers: ClinVar variation 3650445 (VCV003650445.2).
Genomic context (GRCh38, chr13:32,339,291, plus strand): 5'-AATCTCAAAACATCAAAAAGTATCTTTTTGAAAGTTAAAGTACATGAAAATGTAGAAAAA[GA>G]AACAGCAAAAAGTCCTGCAACTTGTTACACAAATCAGTCCCCTTATTCAGTCATTGAAAA-3'

ClinVar aggregate classification (germline): Pathogenic (1 of 4 stars; one submission).

Conditions:
Hereditary breast ovarian cancer syndrome. Also called: Hereditary breast and ovarian cancer syndrome (HBOC); Hereditary breast and ovarian cancer; BRCA1- and BRCA2-Associated Hereditary Breast and Ovarian Cancer; Hereditary breast and ovarian cancer syndrome; Hereditary breast and/or ovarian cancer syndrome; Breast and ovarian cancer. Identifiers: Orphanet 145, MedGen C0677776, MeSH D061325, MONDO:0003582. Disease mechanism: loss of function.

Submission:

Labcorp Genetics (formerly Invitae), Labcorp
Classification: Pathogenic for Hereditary breast ovarian cancer syndrome. Last evaluated: 2024-04-20. Review status: criteria provided, single submitter. Criteria: Invitae Variant Classification Sherloc (09022015). Collection method: clinical testing. Allele origin: germline.
Comment: This sequence change creates a premature translational stop signal (p.Thr1647Glnfs*23) in the BRCA2 gene. It is expected to result in an absent or disrupted protein product. Loss-of-function variants in BRCA2 are known to be pathogenic (PMID: 20104584). This variant is not present in population databases (gnomAD no frequency). This variant has not been reported in the literature in individuals affected with BRCA2-related conditions. For these reasons, this variant has been classified as Pathogenic.

Literature cited by the submitters: PubMed 20104584.